The following is an entry in ClinVar:

ClinVar aggregate classification (germline): Uncertain significance (1 of 4 stars; one submission).

Allele frequency attached by ClinVar (database versions not stated): gnomAD exomes 0.00004.

Submission:

GeneDx
Classification: Uncertain significance. Last evaluated: 2022-12-21. Review status: criteria provided, single submitter. Criteria: GeneDx Variant Classification Process June 2021. Collection method: clinical testing. Allele origin: germline. Affected: yes.
Comment: In silico analysis supports that this missense variant does not alter protein structure/function; Has not been previously published as pathogenic or benign to our knowledge; Variants in candidate genes are classified as variants of uncertain significance in accordance with ACMG guidelines (Richards et al., 2015)

NM_001130861.1(CLDN5):c.91G>A (p.Gly31Ser)

Gene: CLDN5 (claudin 5; minus strand). Cytogenetic location: 22q11.21.
Variant type: single nucleotide variant.
Coding change: c.91G>A on transcript NM_001130861.1; coding-DNA position 91, G replaced by A.
Protein change: p.Gly31Ser; replaces glycine 31 with serine.
Molecular consequence: missense variant.
Genome position (GRCh38, 1-based): chr22:19,524,420, C>T on the plus strand (G>A on the coding strand, the complement: CLDN5 is on the minus strand). VCF-style: chr22-19524420-C-T. GRCh37 (hg19) VCF-style: chr22-19511943-C-T.
Other names: c.91G>A, p.Gly31Ser (NM_001363067.2, NM_003277.4); short protein forms G31S.
Identifiers: ClinVar variation 2506672 (VCV002506672.1), dbSNP rs765505732, ClinGen allele CA10101698.